The following is an entry in ClinVar:

NM_172366.4(FBXO16):c.87A>T (p.Leu29=)

Gene: FBXO16 (F-box protein 16; minus strand). Cytogenetic location: 8p21.1.
Variant type: single nucleotide variant.
Coding change: c.87A>T on transcript NM_172366.4 (MANE Select); coding-DNA position 87, A replaced by T.
Protein change: p.Leu29=; no amino-acid change (leucine 29 retained).
Molecular consequence: synonymous variant.
Genome position (GRCh38, 1-based): chr8:28,483,360, T>A on the plus strand (A>T on the coding strand, the complement: FBXO16 is on the minus strand). VCF-style: chr8-28483360-T-A. GRCh37 (hg19) VCF-style: chr8-28340877-T-A.
Other names: c.87A>T, p.Leu29= (NM_001258211.2).
Identifiers: ClinVar variation 3234306 (VCV003234306.20), dbSNP rs1304127542, ClinGen allele CA460164807.
Genomic context (GRCh38, chr8:28,483,360, plus strand): 5'-TTCCTTTCAGTCATGGATTCAATTGTTAAAATAGTTCTGGTCACTTACCCGGTCATTCAA[T>A]AGCTGATGGTTTAGGGGTGTCCAGGTGCTCATCTTTGTCTGCATTTTGGGACCATCTGTG-3'
Protein context (NP_758954.1, residues 19-39): MSTWTPLNHQ[Leu29=]LNDRVFEERR

ClinVar aggregate classification (germline): Likely benign (1 of 4 stars; one submission).

Submission:

CeGaT Center for Human Genetics Tuebingen
Classification: Likely benign. Last evaluated: 2026-05-01. Review status: criteria provided, single submitter. Criteria: CeGaT Center For Human Genetics Tuebingen Variant Classification Criteria Version 2. Collection method: clinical testing. Allele origin: germline. Affected: yes. Observed: 3 variant alleles.
Comment: FBXO16: PM2:Supporting, BP4, BP7